The following is an entry in ClinVar:

ClinVar aggregate classification (germline): Conflicting classifications of pathogenicity. Review status: criteria provided, conflicting classifications (1 of 4 stars). 5 submissions from 5 submitters: Uncertain significance (1); Benign (2); Likely benign (1). 1 of the submissions does not count toward it. Last evaluated 2026-01-12.

Conditions:
ATL1-related disorder. Also called: ATL1-related condition.
Hereditary spastic paraplegia 3A (SPG3A). Also called: Spastic paraplegia 3A, autosomal dominant; SPASTIC PARAPLEGIA 3, AUTOSOMAL DOMINANT; FAMILIAL SPASTIC PARAPLEGIA, AUTOSOMAL DOMINANT, 1; SPG3; STRUMPELL DISEASE; Spastic Paraplegia 3A. Identifiers: Orphanet 100984, MedGen C2931355, MONDO:0008437, OMIM 182600.

Allele frequency attached by ClinVar (database versions not stated): gnomAD exomes 0.00014; ExAC 0.00018; gnomAD 0.00054 and 0.00056; TOPMed 0.00085; ESP Exome Variant Server 0.00092; 1000 Genomes Project 0.00140; 1000 Genomes Project 30x 0.00156.
gnomAD v4.1: 185 of 1,609,290 alleles (0.011%); highest among the groups gnomAD compares: African/African-American, 0.21%; no homozygotes.

Submissions (5):

Labcorp Genetics (formerly Invitae), Labcorp
Classification: Benign for Hereditary spastic paraplegia 3A. Last evaluated: 2026-01-12. Review status: criteria provided, single submitter. Criteria: Invitae Variant Classification Sherloc (09022015). Collection method: clinical testing. Allele origin: germline.

Mayo Clinic Laboratories, Mayo Clinic
Classification: Benign. Last evaluated: 2023-06-27. Review status: criteria provided, single submitter. Criteria: ACMG Guidelines, 2015. Collection method: clinical testing. Allele origin: germline. Observed: 4 variant alleles.
Comment: BS1, BS2, BP4, BP7

GeneDx
Classification: Likely benign. Last evaluated: 2020-07-29. Review status: criteria provided, single submitter. Criteria: GeneDx Variant Classification Process June 2021. Collection method: clinical testing. Allele origin: germline. Affected: yes.

Eurofins Ntd Llc (ga)
Classification: Uncertain significance. Last evaluated: 2015-04-02. Review status: criteria provided, single submitter. Criteria: EGL Classification Definitions 2015. Collection method: clinical testing. Allele origin: germline. Observed: 1 variant allele, 1 heterozygote.

PreventionGenetics, part of Exact Sciences
Classification: Likely benign for ATL1-related condition. Last evaluated: 2022-12-27. Review status: no assertion criteria provided. Collection method: clinical testing. Allele origin: germline. Not counted in ClinVar's aggregate classification.
Comment: This variant is classified as likely benign based on ACMG/AMP sequence variant interpretation guidelines (Richards et al. 2015 PMID: 25741868, with internal and published modifications).

NM_015915.5(ATL1):c.631-7T>A

Gene: ATL1 (atlastin GTPase 1; plus strand). Cytogenetic location: 14q22.1.
Variant type: single nucleotide variant.
Coding change: c.631-7T>A on transcript NM_015915.5 (MANE Select); 7 bases into the intron before coding-DNA position 631, T replaced by A.
Molecular consequence: intron variant.
Genome position (GRCh38, 1-based): chr14:50,613,252, T>A. VCF-style: chr14-50613252-T-A. GRCh37 (hg19) VCF-style: chr14-51079970-T-A.
Other names: p.?; c.631-7T>A (NM_001127713.1, NM_181598.4).
Identifiers: ClinVar variation 198566 (VCV000198566.22), dbSNP rs186528086, ClinGen allele CA247289.
Genomic context (GRCh38, chr14:50,613,252, plus strand): 5'-GTTTCCATATAAAGCAAAGGGAGGCACCTTAAAGTCCTCATATCAATCCTTTCTTATTAT[T>A]TTTTAGAGTCTGATATTTCTTGTTCGAGACTGGAGTTTCCCATACGAATTTTCATATGGA-3'